The following is an entry in ClinVar:

ClinVar aggregate classification (germline): Likely benign. Review status: criteria provided, multiple submitters, no conflicts (2 of 4 stars). 5 submissions from 5 submitters: Likely benign (5). Last evaluated 2026-05-26.

Conditions:
ZNF469-related disorder. Also called: ZNF469-related condition.
Cardiovascular phenotype. Identifiers: MedGen CN230736.

Allele frequency attached by ClinVar (database versions not stated): TOPMed 0.00003; gnomAD 0.00004 and 0.00003; gnomAD exomes 0.00005 and 0.00010.
gnomAD v4.1: 32 of 1,550,338 alleles (0.0021%); highest among the groups gnomAD compares: Admixed American, 0.045%; no homozygotes.

Submissions (5):

PreventionGenetics, part of Exact Sciences
Classification: Likely benign for ZNF469-related condition. Last evaluated: 2026-05-26. Review status: criteria provided, single submitter. Criteria: ACMG Guidelines, 2015. Collection method: clinical testing. Allele origin: germline.
Comment: This variant is classified as likely benign based on ACMG/AMP sequence variant interpretation guidelines (Richards et al. 2015 PMID: 25741868, with internal and published modifications).

Labcorp Genetics (formerly Invitae), Labcorp
Classification: Likely benign. Last evaluated: 2026-01-25. Review status: criteria provided, single submitter. Criteria: Invitae Variant Classification Sherloc (09022015). Collection method: clinical testing. Allele origin: germline.

Blueprint Genetics
Classification: Likely benign. Last evaluated: 2024-08-07. Review status: criteria provided, single submitter. Criteria: ACMG Guidelines, 2015. Collection method: clinical testing. Allele origin: germline.

Ambry Genetics
Classification: Likely benign for Cardiovascular phenotype. Last evaluated: 2019-11-06. Review status: criteria provided, single submitter. Criteria: Ambry Variant Classification Scheme 2023. Collection method: clinical testing. Allele origin: germline.

GeneDx
Classification: Likely benign. Last evaluated: 2019-11-01. Review status: criteria provided, single submitter. Criteria: GeneDx Variant Classification Process June 2021. Collection method: clinical testing. Allele origin: germline. Affected: yes.

NM_001367624.2(ZNF469):c.11502C>T (p.Phe3834=)

Gene: ZNF469 (zinc finger protein 469; plus strand). Cytogenetic location: 16q24.2.
Variant type: single nucleotide variant.
Coding change: c.11502C>T on transcript NM_001367624.2 (MANE Select); coding-DNA position 11502, C replaced by T.
Protein change: p.Phe3834=; no amino-acid change (phenylalanine 3834 retained).
Molecular consequence: synonymous variant.
Genome position (GRCh38, 1-based): chr16:88,438,972, C>T. VCF-style: chr16-88438972-C-T. GRCh37 (hg19) VCF-style: chr16-88505380-C-T.
Other names: NM_001127464.1:c.11418C>T; NM_001127464.2:c.11418C>T.
Identifiers: ClinVar variation 515715 (VCV000515715.16), dbSNP rs1030545648, ClinGen allele CA286388151.